The following is an entry in ClinVar:

NM_001363711.2(DUOX2):c.358G>A (p.Glu120Lys)

Gene: DUOX2 (dual oxidase 2; minus strand). Cytogenetic location: 15q21.1.
Variant type: single nucleotide variant.
Coding change: c.358G>A on transcript NM_001363711.2 (MANE Select); coding-DNA position 358, G replaced by A.
Protein change: p.Glu120Lys; replaces glutamic acid 120 with lysine.
Molecular consequence: missense variant.
Genome position (GRCh38, 1-based): chr15:45,111,923, C>T on the plus strand (G>A on the coding strand, the complement: DUOX2 is on the minus strand). VCF-style: chr15-45111923-C-T. GRCh37 (hg19) VCF-style: chr15-45404121-C-T.
Other names: c.358G>A, p.Glu120Lys (NM_014080.5); short protein forms E120K.
Identifiers: ClinVar variation 2985328 (VCV002985328.1), dbSNP rs765873661, ClinGen allele CA7538979.

ClinVar aggregate classification (germline): Uncertain significance (1 of 4 stars; one submission).

Allele frequency attached by ClinVar (database versions not stated): gnomAD 0.00001; gnomAD exomes 0.00002; ExAC 0.00003.
gnomAD v4.1: 24 of 1,613,590 alleles (0.0015%); highest among the groups gnomAD compares: South Asian, 0.026%; no homozygotes.

Submission:

Labcorp Genetics (formerly Invitae), Labcorp
Classification: Uncertain significance. Last evaluated: 2023-11-28. Review status: criteria provided, single submitter. Criteria: Invitae Variant Classification Sherloc (09022015). Collection method: clinical testing. Allele origin: germline.
Comment: This sequence change replaces glutamic acid, which is acidic and polar, with lysine, which is basic and polar, at codon 120 of the DUOX2 protein (p.Glu120Lys). This variant is present in population databases (rs765873661, gnomAD 0.01%). This variant has not been reported in the literature in individuals affected with DUOX2-related conditions. Advanced modeling of protein sequence and biophysical properties (such as structural, functional, and spatial information, amino acid conservation, physicochemical variation, residue mobility, and thermodynamic stability) performed at Invitae indicates that this missense variant is not expected to disrupt DUOX2 protein function with a negative predictive value of 80%. In summary, the available evidence is currently insufficient to determine the role of this variant in disease. Therefore, it has been classified as a Variant of Uncertain Significance.